The following is an entry in ClinVar:

NM_058216.3(RAD51C):c.502A>T (p.Arg168Ter)

Gene: RAD51C (RAD51 paralog C; plus strand). Cytogenetic location: 17q22.
Variant type: single nucleotide variant.
Coding change: c.502A>T on transcript NM_058216.3 (MANE Select); coding-DNA position 502, A replaced by T.
Protein change: p.Arg168Ter; replaces arginine 168 with a stop codon.
Molecular consequence: nonsense.
Genome position (GRCh38, 1-based): chr17:58,696,790, A>T. VCF-style: chr17-58696790-A-T. GRCh37 (hg19) VCF-style: chr17-56774151-A-T.
Other names: p.R168*:AGA>TGA; short protein forms R168*.
Identifiers: ClinVar variation 141095 (VCV000141095.29), dbSNP rs587781490, ClinGen allele CA294043.

ClinVar aggregate classification (germline): Pathogenic. Review status: criteria provided, multiple submitters, no conflicts (2 of 4 stars). 11 submissions from 10 submitters: Pathogenic (7). 4 of the submissions do not count toward it. Last evaluated 2025-12-08.

Conditions:
Breast and/or ovarian cancer. Identifiers: MedGen CN221562.
Hereditary cancer-predisposing syndrome. Also called: Neoplastic Syndromes, Hereditary; Hereditary Cancer Syndrome; Tumor predisposition; Hereditary neoplastic syndrome. Identifiers: Orphanet 140162, MedGen C0027672, MeSH D009386, MONDO:0015356.
Ovarian neoplasm. Also called: Neoplasm of ovary; Ovarian tumor; Ovarian Neoplasms. Identifiers: MedGen C0919267, MeSH D010051, MONDO:0021068, HP:0100615.
Breast-ovarian cancer, familial, susceptibility to, 3. Also called: RAD51C-Related Breast/Ovarian Cancer. Identifiers: Orphanet 145, MedGen C3150659, MONDO:0013253, OMIM 613399.
Fanconi anemia complementation group O. Also called: RAD51C-Related Fanconi Anemia. Identifiers: Orphanet 84, MedGen C3150653, MONDO:0013248, OMIM 613390.
Endometrial carcinoma. Also called: Endometrial carcinoma, somatic. Identifiers: MedGen C0476089, MONDO:0002447, OMIM 608089, HP:0012114.

Submissions (11):

Institute of Human Genetics, University of Leipzig Medical Center
Classification: Pathogenic for Breast-ovarian cancer, familial, susceptibility to, 3. Last evaluated: 2025-12-08. Review status: criteria provided, single submitter. Criteria: ACMG Guidelines, 2015. Collection method: clinical testing. Allele origin: unknown. Inheritance: Autosomal dominant inheritance. Affected: yes.
Comment: Criteria applied: PVS1,PS4_MOD,PM2_SUP

Ambry Genetics
Classification: Pathogenic for Hereditary cancer-predisposing syndrome. Last evaluated: 2025-08-20. Review status: criteria provided, single submitter. Criteria: Ambry Variant Classification Scheme 2023. Collection method: clinical testing. Allele origin: germline.
Comment: The p.R168* pathogenic mutation (also known as c.502A>T), located in coding exon 3 of the RAD51C gene, results from an A to T substitution at nucleotide position 502. This changes the amino acid from an arginine to a stop codon within coding exon 3. This alteration has been reported in multiple individuals diagnosed with breast cancer (Lhota F et al. Clin. Genet. 2016 10;90:324-33; Yablonski-Peretz T et al. Breast Cancer Res. Treat. 2016 Jan;155:133-8; Susswein LR et al. Genet. Med. 2016 08;18:823-32). This alteration is expected to result in loss of function by premature protein truncation or nonsense-mediated mRNA decay. As such, this alteration is interpreted as a disease-causing mutation.

Labcorp Genetics (formerly Invitae), Labcorp
Classification: Pathogenic for Fanconi anemia complementation group O. Last evaluated: 2025-06-22. Review status: criteria provided, single submitter. Criteria: Invitae Variant Classification Sherloc (09022015). Collection method: clinical testing. Allele origin: germline.
Comment: This sequence change creates a premature translational stop signal (p.Arg168*) in the RAD51C gene. It is expected to result in an absent or disrupted protein product. Loss-of-function variants in RAD51C are known to be pathogenic (PMID: 20400964, 21990120, 24800917, 29278735). This variant is present in population databases (rs587781490, gnomAD 0.0009%). This premature translational stop signal has been observed in individual(s) with breast cancer (PMID: 26687385, 26822949). ClinVar contains an entry for this variant (Variation ID: 141095). For these reasons, this variant has been classified as Pathogenic.

Myriad Genetics, Inc.
Classification: Pathogenic for Breast-ovarian cancer, familial, susceptibility to, 3. Last evaluated: 2024-01-02. Review status: criteria provided, single submitter. Criteria: Myriad Autosomal Dominant, Autosomal Recessive and X-Linked Classification Criteria (2023). Collection method: clinical testing. Allele origin: unknown.
Comment: This variant is considered pathogenic. This variant creates a termination codon and is predicted to result in premature protein truncation.

GeneDx
Classification: Pathogenic. Last evaluated: 2023-12-11. Review status: criteria provided, single submitter. Criteria: GeneDx Variant Classification Process June 2021. Collection method: clinical testing. Allele origin: germline. Affected: yes.
Comment: Nonsense variant predicted to result in protein truncation or nonsense mediated decay in a gene for which loss-of-function is a known mechanism of disease; Not observed at significant frequency in large population cohorts (gnomAD); This variant is associated with the following publications: (PMID: 26687385, 26822949, 32107557, 26681312, 29922827, 28888541)

Baylor Genetics
Classification: Pathogenic for Breast-ovarian cancer, familial, susceptibility to, 3. Last evaluated: 2023-08-14. Review status: criteria provided, single submitter. Criteria: ACMG Guidelines, 2015. Collection method: clinical testing. Allele origin: unknown.

Institute for Clinical Genetics, University Hospital TU Dresden, University Hospital TU Dresden
Classification: Pathogenic. Last evaluated: 2021-11-03. Review status: criteria provided, single submitter. Criteria: ACMG Guidelines, 2015. Collection method: clinical testing. Allele origin: germline.

CZECANCA consortium
Classification: Pathogenic for Endometrial carcinoma. Last evaluated: 2023-02-21. Review status: no assertion criteria provided. Collection method: clinical testing. Allele origin: germline. Affected: yes. Observed: 1 variant allele. Not counted in ClinVar's aggregate classification.

Leiden Open Variation Database
Classification: Uncertain significance. Last evaluated: 2019-07-19. Review status: no assertion criteria provided. Collection method: curation. Allele origin: germline. Affected: yes. Not counted in ClinVar's aggregate classification.
Comment: Curator: Arleen D. Auerbach. Submitter to LOVD: Zdenek Kleibl.

CZECANCA consortium
Classification: Pathogenic for Breast and/or ovarian cancer. Last evaluated: 2019-06-11. Review status: no assertion criteria provided. Collection method: clinical testing. Allele origin: germline. Affected: yes. Observed: 7 variant alleles. Not counted in ClinVar's aggregate classification.

German Consortium for Hereditary Breast and Ovarian Cancer, University Hospital Cologne
Classification: Pathogenic for Ovarian neoplasm. Last evaluated: 2018-12-01. Review status: no assertion criteria provided. Collection method: research. Allele origin: germline. Affected: yes. Not counted in ClinVar's aggregate classification.

Literature cited by the submitters: PubMed 26681312 (cited by Ambry Genetics); PubMed 26687385 (cited by Ambry Genetics and Labcorp Genetics (formerly Invitae), Labcorp); PubMed 26822949 (cited by 3 submitters); PubMed 20400964 (cited by Labcorp Genetics (formerly Invitae), Labcorp); PubMed 21990120 (cited by Labcorp Genetics (formerly Invitae), Labcorp); PubMed 24800917 (cited by Labcorp Genetics (formerly Invitae), Labcorp); PubMed 29278735 (cited by Labcorp Genetics (formerly Invitae), Labcorp); PubMed 32295079 (cited by CZECANCA consortium).